The following is an entry in ClinVar:

ClinVar aggregate classification (germline): Uncertain significance. Review status: criteria provided, multiple submitters, no conflicts (2 of 4 stars). 2 submissions from 2 submitters: Uncertain significance (2). Last evaluated 2025-05-28.

Allele frequency attached by ClinVar (database versions not stated): gnomAD exomes below 0.00001; TOPMed below 0.00001.
gnomAD v4.1: 1 of 1,551,760 alleles (0.000064%); highest among the groups gnomAD compares: Non-Finnish European, 0.000087%; no homozygotes.

Submissions (2):

Ambry Genetics
Classification: Uncertain significance. Last evaluated: 2025-05-28. Review status: criteria provided, single submitter. Criteria: Ambry Variant Classification Scheme 2023. Collection method: clinical testing. Allele origin: germline.

Labcorp Genetics (formerly Invitae), Labcorp
Classification: Uncertain significance. Last evaluated: 2020-06-23. Review status: criteria provided, single submitter. Criteria: Invitae Variant Classification Sherloc (09022015). Collection method: clinical testing. Allele origin: germline.
Comment: In summary, the available evidence is currently insufficient to determine the role of this variant in disease. Therefore, it has been classified as a Variant of Uncertain Significance. Algorithms developed to predict the effect of missense changes on protein structure and function are either unavailable or do not agree on the potential impact of this missense change (SIFT: "Tolerated"; PolyPhen-2: "Possibly Damaging"; Align-GVGD: "Class C0"). This variant has not been reported in the literature in individuals with DTHD1-related conditions. This variant is not present in population databases (ExAC no frequency). This sequence change replaces threonine with isoleucine at codon 571 of the DTHD1 protein (p.Thr571Ile). The threonine residue is weakly conserved and there is a moderate physicochemical difference between threonine and isoleucine.

NM_001170700.3(DTHD1):c.2582C>T (p.Thr861Ile)

Gene: DTHD1 (death domain containing 1; plus strand). Cytogenetic location: 4p14.
Variant type: single nucleotide variant.
Coding change: c.2582C>T on transcript NM_001170700.3 (MANE Select); coding-DNA position 2582, C replaced by T.
Protein change: p.Thr861Ile; replaces threonine 861 with isoleucine.
Molecular consequence: missense variant. On other transcripts: non-coding transcript variant (2).
Genome position (GRCh38, 1-based): chr4:36,343,685, C>T. VCF-style: chr4-36343685-C-T. GRCh37 (hg19) VCF-style: chr4-36345307-C-T.
Other names: c.2207C>T (NM_001170700.1); c.1712C>T, p.Thr571Ile (NM_001136536.5); c.1591C>T, p.Leu531Phe (NM_001378435.1); short protein forms T861I, L531F, T571I.
Identifiers: ClinVar variation 1041486 (VCV001041486.9), dbSNP rs1288449967, ClinGen allele CA356682415.
Genomic context (GRCh38, chr4:36,343,685, plus strand): 5'-CTGATGATCTCACAGAACAGATCCACGAGTTTCTTTGCTTCTGGAAAAAATCGCTTCCAA[C>T]TTTCACCGACAAACTTCGCCTCCTGGCTCGACATCTCCGCAAGATTGGCAGGAGTGATCT-3'
Protein context (NP_001164171.2, residues 851-871): FLCFWKKSLP[Thr861Ile]FTDKLRLLAR